The following is an entry in ClinVar:

NM_004360.5(CDH1):c.1057G>C (p.Glu353Gln)

Gene: CDH1 (cadherin 1; plus strand). Cytogenetic location: 16q22.1.
Variant type: single nucleotide variant.
Coding change: c.1057G>C on transcript NM_004360.5 (MANE Select); coding-DNA position 1057, G replaced by C.
Protein change: p.Glu353Gln; replaces glutamic acid 353 with glutamine.
Molecular consequence: missense variant. On other transcripts: 5 prime UTR variant (2).
Genome position (GRCh38, 1-based): chr16:68,812,183, G>C. VCF-style: chr16-68812183-G-C. GRCh37 (hg19) VCF-style: chr16-68846086-G-C.
Other names: c.1057G>C, p.Glu353Gln (NM_001317184.2); c.-559G>C (NM_001317185.2); c.-763G>C (NM_001317186.2); short protein forms E353Q.
Identifiers: ClinVar variation 1779004 (VCV001779004.3), dbSNP rs876661091, ClinGen allele CA396460011.

ClinVar aggregate classification (germline): Uncertain significance (1 of 4 stars; one submission).

Conditions:
Hereditary cancer-predisposing syndrome. Also called: Neoplastic Syndromes, Hereditary; Tumor predisposition; Hereditary Cancer Syndrome; Hereditary neoplastic syndrome. Identifiers: Orphanet 140162, MedGen C0027672, MeSH D009386, MONDO:0015356.

Submission:

Ambry Genetics
Classification: Uncertain significance for Hereditary cancer-predisposing syndrome. Last evaluated: 2026-05-08. Review status: criteria provided, single submitter. Criteria: Ambry Variant Classification Scheme 2023. Collection method: clinical testing. Allele origin: germline.
Comment: The p.E353Q variant (also known as c.1057G>C), located in coding exon 8 of the CDH1 gene, results from a G to C substitution at nucleotide position 1057. The glutamic acid at codon 353 is replaced by glutamine, an amino acid with highly similar properties. This amino acid position is not well conserved in available vertebrate species. In addition, this alteration is predicted to be tolerated by in silico analysis. Based on the available evidence, the clinical significance of this variant remains unclear.